The following is an entry in ClinVar:

ClinVar aggregate classification (germline): Uncertain significance. Review status: criteria provided, multiple submitters, no conflicts (2 of 4 stars). 3 submissions from 3 submitters: Uncertain significance (3). Last evaluated 2026-01-01.

Conditions:
Early-infantile DEE. Also called: Early infantile epileptic encephalopathy; Early infantile epileptic encephalopathy with suppression bursts; Ohtahara syndrome. Identifiers: Orphanet 1934, MedGen C0393706, MONDO:0800491.
Inborn genetic diseases. Identifiers: MedGen C0950123, MeSH D030342.

Allele frequency attached by ClinVar (database versions not stated): ExAC below 0.00001; TOPMed 0.00002; gnomAD 0.00003.
gnomAD v4.1: 25 of 1,535,848 alleles (0.0016%); highest among the groups gnomAD compares: East Asian, 0.0049%; no homozygotes.

Submissions (3):

CeGaT Center for Human Genetics Tuebingen
Classification: Uncertain significance. Last evaluated: 2026-01-01. Review status: criteria provided, single submitter. Criteria: CeGaT Center For Human Genetics Tuebingen Variant Classification Criteria Version 2. Collection method: clinical testing. Allele origin: germline. Affected: yes. Observed: 1 variant allele.

Ambry Genetics
Classification: Uncertain significance for Inborn genetic diseases. Last evaluated: 2025-10-22. Review status: criteria provided, single submitter. Criteria: Ambry Variant Classification Scheme 2023. Collection method: clinical testing. Allele origin: germline.
Comment: The c.2171C>T (p.P724L) alteration is located in exon 17 (coding exon 17) of the KCNQ2 gene. This alteration results from a C to T substitution at nucleotide position 2171, causing the proline (P) at amino acid position 724 to be replaced by a leucine (L). Based on data from gnomAD, the T allele has an overall frequency of 0.001% (1/173982) total alleles studied. The highest observed frequency was 0.001% (1/71866) of European (non-Finnish) alleles. Based on insufficient or conflicting evidence, the clinical significance of this alteration remains unclear.

Labcorp Genetics (formerly Invitae), Labcorp
Classification: Uncertain significance for Early-infantile DEE. Last evaluated: 2024-06-09. Review status: criteria provided, single submitter. Criteria: Invitae Variant Classification Sherloc (09022015). Collection method: clinical testing. Allele origin: germline.
Comment: This sequence change replaces proline, which is neutral and non-polar, with leucine, which is neutral and non-polar, at codon 724 of the KCNQ2 protein (p.Pro724Leu). This variant is present in population databases (rs761544880, gnomAD 0.001%). This missense change has been observed in individual(s) with clinical features of KCNQ2-related conditions (Invitae). ClinVar contains an entry for this variant (Variation ID: 642202). An algorithm developed to predict the effect of missense changes on protein structure and function (PolyPhen-2) suggests that this variant is likely to be tolerated. In summary, the available evidence is currently insufficient to determine the role of this variant in disease. Therefore, it has been classified as a Variant of Uncertain Significance.

NM_172107.4(KCNQ2):c.2171C>T (p.Pro724Leu)

Gene: KCNQ2 (potassium voltage-gated channel subfamily Q member 2; minus strand). Cytogenetic location: 20q13.33.
Variant type: single nucleotide variant.
Coding change: c.2171C>T on transcript NM_172107.4 (MANE Select); coding-DNA position 2171, C replaced by T.
Protein change: p.Pro724Leu; replaces proline 724 with leucine.
Molecular consequence: missense variant.
Genome position (GRCh38, 1-based): chr20:63,407,092, G>A on the plus strand (C>T on the coding strand, the complement: KCNQ2 is on the minus strand). VCF-style: chr20-63407092-G-A. GRCh37 (hg19) VCF-style: chr20-62038445-G-A.
Other names: c.2087C>T, p.Pro696Leu (NM_004518.6); c.2117C>T, p.Pro706Leu (NM_172106.3); c.2078C>T, p.Pro693Leu (NM_172108.5); short protein forms P696L, P706L, P724L, P693L.
Identifiers: ClinVar variation 642202 (VCV000642202.14), dbSNP rs761544880, ClinGen allele CA9958138.